The following is an entry in ClinVar:

ClinVar aggregate classification (germline): Uncertain significance (1 of 4 stars; one submission).

Conditions:
Early-onset Lafora body disease. Also called: Epilepsy, progressive myoclonic, 10. Identifiers: Orphanet 324290, MedGen C4225258, MONDO:0014717, OMIM 616640.

Allele frequency attached by ClinVar (database versions not stated): gnomAD exomes below 0.00001; gnomAD 0.00001; TOPMed 0.00005.
gnomAD v4.1: 2 of 1,223,702 alleles (0.00016%); highest among the groups gnomAD compares: African/African-American, 0.0032%; no homozygotes.

Submission:

Labcorp Genetics (formerly Invitae), Labcorp
Classification: Uncertain significance for Early-onset Lafora body disease. Last evaluated: 2022-07-06. Review status: criteria provided, single submitter. Criteria: Invitae Variant Classification Sherloc (09022015). Collection method: clinical testing. Allele origin: germline.
Comment: This sequence change replaces serine, which is neutral and polar, with glycine, which is neutral and non-polar, at codon 453 of the PRDM8 protein (p.Ser453Gly). This variant is not present in population databases (gnomAD no frequency). This variant has not been reported in the literature in individuals affected with PRDM8-related conditions. ClinVar contains an entry for this variant (Variation ID: 968313). Algorithms developed to predict the effect of missense changes on protein structure and function are either unavailable or do not agree on the potential impact of this missense change (SIFT: "Tolerated"; PolyPhen-2: "Possibly Damaging"; Align-GVGD: "Class C0"). In summary, the available evidence is currently insufficient to determine the role of this variant in disease. Therefore, it has been classified as a Variant of Uncertain Significance.

NM_001099403.2(PRDM8):c.1357A>G (p.Ser453Gly)

Gene: PRDM8 (PR/SET domain 8; plus strand). Cytogenetic location: 4q21.21.
Variant type: single nucleotide variant.
Coding change: c.1357A>G on transcript NM_001099403.2 (MANE Select); coding-DNA position 1357, A replaced by G.
Protein change: p.Ser453Gly; replaces serine 453 with glycine.
Molecular consequence: missense variant.
Genome position (GRCh38, 1-based): chr4:80,202,819, A>G. VCF-style: chr4-80202819-A-G. GRCh37 (hg19) VCF-style: chr4-81123973-A-G.
Other names: c.1357A>G, p.Ser453Gly (NM_020226.4); short protein forms S453G.
Identifiers: ClinVar variation 968313 (VCV000968313.5), dbSNP rs907653529, ClinGen allele CA100000979.